The following is an entry in ClinVar:

ClinVar aggregate classification (germline): Uncertain significance (1 of 4 stars; one submission).

Allele frequency attached by ClinVar (database versions not stated): gnomAD exomes below 0.00001.
gnomAD v4.1: 3 of 1,614,232 alleles (0.00019%); highest among the groups gnomAD compares: East Asian, 0.0022%; no homozygotes.

Submission:

Labcorp Genetics (formerly Invitae), Labcorp
Classification: Uncertain significance. Last evaluated: 2022-06-27. Review status: criteria provided, single submitter. Criteria: Invitae Variant Classification Sherloc (09022015). Collection method: clinical testing. Allele origin: germline.
Comment: In summary, the available evidence is currently insufficient to determine the role of this variant in disease. Therefore, it has been classified as a Variant of Uncertain Significance. Algorithms developed to predict the effect of missense changes on protein structure and function are either unavailable or do not agree on the potential impact of this missense change (SIFT: "Not Available"; PolyPhen-2: "Benign"; Align-GVGD: "Not Available"). This variant has not been reported in the literature in individuals affected with KLHL9-related conditions. This variant is not present in population databases (gnomAD no frequency). This sequence change replaces methionine, which is neutral and non-polar, with valine, which is neutral and non-polar, at codon 464 of the KLHL9 protein (p.Met464Val).

NM_018847.4(KLHL9):c.1390A>G (p.Met464Val)

Gene: KLHL9 (kelch like family member 9; minus strand). Cytogenetic location: 9p21.3.
Variant type: single nucleotide variant.
Coding change: c.1390A>G on transcript NM_018847.4 (MANE Select); coding-DNA position 1390, A replaced by G.
Protein change: p.Met464Val; replaces methionine 464 with valine.
Molecular consequence: missense variant.
Genome position (GRCh38, 1-based): chr9:21,333,470, T>C on the plus strand (A>G on the coding strand, the complement: KLHL9 is on the minus strand). VCF-style: chr9-21333470-T-C. GRCh37 (hg19) VCF-style: chr9-21333469-T-C.
Other names: short protein forms M464V.
Identifiers: ClinVar variation 2009241 (VCV002009241.4), dbSNP rs1394035196, ClinGen allele CA373068773.